The following is an entry in ClinVar:

ClinVar aggregate classification (germline): Benign/Likely benign. Review status: criteria provided, multiple submitters, no conflicts (2 of 4 stars). 7 submissions from 7 submitters: Benign (2); Likely benign (2). 3 of the submissions do not count toward it. Last evaluated 2026-01-25.

Conditions:
Dilated cardiomyopathy 1G (CMD1G). Identifiers: Orphanet 154, MedGen C1858763, MONDO:0011400, OMIM 604145.
Autosomal recessive limb-girdle muscular dystrophy type 2J (LGMDR10). Also called: MUSCULAR DYSTROPHY, LIMB-GIRDLE, AUTOSOMAL RECESSIVE 10; Limb-girdle muscular dystrophy, type 2J. Identifiers: Orphanet 140922, MedGen C1837342, MONDO:0012127, OMIM 608807.

Allele frequency attached by ClinVar (database versions not stated): gnomAD 0.00032 and 0.00030; 1000 Genomes Project 0.00020; TOPMed 0.00041; ESP Exome Variant Server 0.00042; ExAC 0.00025.
gnomAD v4.1: 724 of 1,605,712 alleles (0.045%); highest among the groups gnomAD compares: Non-Finnish European, 0.05%; no homozygotes.

Submissions (7):

Labcorp Genetics (formerly Invitae), Labcorp
Classification: Benign for Dilated cardiomyopathy 1G; Autosomal recessive limb-girdle muscular dystrophy type 2J. Last evaluated: 2026-01-25. Review status: criteria provided, single submitter. Criteria: Invitae Variant Classification Sherloc (09022015). Collection method: clinical testing. Allele origin: germline.

Women's Health and Genetics/Laboratory Corporation of America, LabCorp
Classification: Likely benign. Last evaluated: 2025-10-18. Review status: criteria provided, single submitter. Criteria: LabCorp Variant Classification Summary - May 2015. Collection method: clinical testing. Allele origin: germline.

Blueprint Genetics
Classification: Likely benign. Last evaluated: 2024-10-15. Review status: criteria provided, single submitter. Criteria: ACMG Guidelines, 2015. Collection method: clinical testing. Allele origin: germline.

GeneDx
Classification: Benign. Last evaluated: 2014-09-15. Review status: criteria provided, single submitter. Criteria: GeneDx Variant Classification (06012015). Collection method: clinical testing. Allele origin: germline. Affected: yes.
Comment: This variant is considered likely benign or benign based on one or more of the following criteria: it is a conservative change, it occurs at a poorly conserved position in the protein, it is predicted to be benign by multiple in silico algorithms, and/or has population frequency not consistent with disease.

Clinical Genetics DNA and cytogenetics Diagnostics Lab, Erasmus MC, Erasmus Medical Center
Classification: Likely benign. Review status: no assertion criteria provided. Collection method: clinical testing. Allele origin: germline. Affected: yes. Study: VKGL Data-share Consensus. Not counted in ClinVar's aggregate classification.

Clinical Genetics, Academic Medical Center
Classification: Benign. Review status: no assertion criteria provided. Collection method: clinical testing. Allele origin: germline. Affected: yes. Study: VKGL Data-share Consensus. Not counted in ClinVar's aggregate classification.

Diagnostic Laboratory, Department of Genetics, University Medical Center Groningen
Classification: Likely benign. Review status: no assertion criteria provided. Collection method: clinical testing. Allele origin: germline. Affected: yes. Study: VKGL Data-share Consensus. Not counted in ClinVar's aggregate classification.

NM_001267550.2(TTN):c.24506-16T>C

Gene: TTN (titin; minus strand). Cytogenetic location: 2q31.2.
Variant type: single nucleotide variant.
Coding change: c.24506-16T>C on transcript NM_001267550.2 (MANE Select); 16 bases into the intron before coding-DNA position 24506, T replaced by C.
Molecular consequence: intron variant.
Genome position (GRCh38, 1-based): chr2:178,718,616, A>G on the plus strand (T>C on the coding strand, the complement: TTN is on the minus strand). VCF-style: chr2-178718616-A-G. GRCh37 (hg19) VCF-style: chr2-179583343-A-G.
Other names: c.13282+19466T>C (NM_003319.4); c.13858+19466T>C (NM_133437.4); c.13657+19466T>C (NM_133432.3); c.20774-16T>C (NM_133378.4); c.23555-16T>C (NM_001256850.1).
Identifiers: ClinVar variation 202295 (VCV000202295.18), dbSNP rs200319727, ClinGen allele CA308999.
Genomic context (GRCh38, chr2:178,718,616, plus strand): 5'-TCTCAACACTGAAATCAGCCAATCTTTTCACAAAGGTGGCTGGTTCTATAAGGAGAAAAC[A>G]TGTGGGTAAAATTCTTGCCTTCTAATGAAGACTTAAGAGAAATTTTAAAAGATGTATATA-3'